The following is an entry in ClinVar:

ClinVar aggregate classification (germline): Likely pathogenic (1 of 4 stars; one submission).

Conditions:
Hermansky-Pudlak syndrome 3 (HPS3). Identifiers: Orphanet 231512, Orphanet 79430, MedGen C3888001, MONDO:0013555, OMIM 614072.

Submission:

Myriad Genetics, Inc.
Classification: Likely pathogenic for Hermansky-Pudlak syndrome 3. Last evaluated: 2022-03-30. Review status: criteria provided, single submitter. Criteria: Myriad Women's Health Autosomal Recessive and X-Linked Classification Criteria (2021). Collection method: clinical testing. Allele origin: unknown.
Comment: NM_032383.3(HPS3):c.2380delG(V794Yfs*34) is expected to be pathogenic in the context of Hermansky-Pudlak syndrome type 3. This variant is predicted to lead to an abnormal or absent protein product due to the creation of a premature termination codon in HPS3, a gene where loss-of-function variants are known to be pathogenic. Please note: this variant was assessed in the context of healthy population screening.

NM_032383.5(HPS3):c.2380del (p.Val794fs)

Genes: CP (ceruloplasmin; minus strand), HPS3 (HPS3 biogenesis of lysosomal organelles complex 2 subunit 1; plus strand). Cytogenetic location: 3q24.
Variant type: Deletion.
Coding change: c.2380del on transcript NM_032383.5 (MANE Select); coding-DNA position 2380, one base deleted (G; older notation c.2380delG).
Protein change: p.Val794fs; shifts the reading frame from valine 794.
Molecular consequence: frameshift variant. On other transcripts: non-coding transcript variant (1).
Genome position (GRCh38, 1-based): chr3:149,162,777, G deleted; the last of 2 consecutive G bases (chr3:149,162,776-149,162,777); deleting either gives the same sequence. VCF-style (leftmost placement, unchanged base first): chr3-149162775-TG-T. GRCh37 (hg19) VCF-style: chr3-148880562-TG-T.
Other names: c.1885del, p.Val629fs (NM_001308258.2); short protein forms V629fs, V794fs.
Identifiers: ClinVar variation 1725581 (VCV001725581.2), dbSNP rs2473124121, ClinGen allele CA2580068957.
Genomic context (GRCh38, chr3:149,162,775, plus strand): 5'-CAATTCCTCAGCTCTTGGTAGACTTTTGGGAAGCTCAGCTAGTGGCATGTCTCCCAGATG[TG>T]GTACTTCAGGAACTCTTTTTCAAACTCACATCACAGTACATCTGGAGATTGTCTAAGAGG-3'